The following is an entry in ClinVar:

NM_000431.4(MVK):c.524A>G (p.Asn175Ser)

Gene: MVK (mevalonate kinase; plus strand). Cytogenetic location: 12q24.11.
Variant type: single nucleotide variant.
Coding change: c.524A>G on transcript NM_000431.4 (MANE Select); coding-DNA position 524, A replaced by G.
Protein change: p.Asn175Ser; replaces asparagine 175 with serine.
Molecular consequence: missense variant. On other transcripts: intron variant (1).
Genome position (GRCh38, 1-based): chr12:109,581,547, A>G. VCF-style: chr12-109581547-A-G. GRCh37 (hg19) VCF-style: chr12-110019352-A-G.
Other names: p.Asn175Ser; c.524A>G, p.Asn175Ser (NM_001114185.3); c.371+1601A>G (NM_001301182.2); c.524A>G (NM_000431.2); short protein forms N175S.
Identifiers: ClinVar variation 1062143 (VCV001062143.11), dbSNP rs138818135, ClinGen allele CA6779276.

ClinVar aggregate classification (germline): Conflicting classifications of pathogenicity. Review status: criteria provided, conflicting classifications (1 of 4 stars). 5 submissions from 5 submitters: Uncertain significance (4); Likely benign (1). Last evaluated 2025-10-14.

Conditions:
Inborn genetic diseases. Identifiers: MedGen C0950123, MeSH D030342.
Mevalonic aciduria (MEVA). Identifiers: Orphanet 29, MedGen C1959626, MONDO:0012481, OMIM 610377.
Porokeratosis 3, disseminated superficial actinic type (POROK3). Also called: POROKERATOSIS 3, MULTIPLE TYPES; POROKERATOSIS 3, MIBELLI TYPE; POROKERATOSIS, DISSEMINATED SUPERFICIAL ACTINIC, 1. Identifiers: MedGen C1867981, MONDO:0008293, OMIM 175900.
Hyperimmunoglobulin D with periodic fever (HIDS). Also called: HYPERIMMUNOGLOBULINEMIA D AND PERIODIC FEVER SYNDROME; Hyperimmunoglobulinemia D; Hyperimmunoglobulinemia D with periodic fever. Identifiers: Orphanet 343, MedGen C0398691, MONDO:0009849, OMIM 260920.

Allele frequency attached by ClinVar (database versions not stated): gnomAD exomes 0.00001 and 0.00003; ExAC 0.00006; TOPMed 0.00013; gnomAD 0.00014 and 0.00016; ESP Exome Variant Server 0.00015; 1000 Genomes Project 0.00100; 1000 Genomes Project 30x 0.00141.
gnomAD v4.1: 41 of 1,614,204 alleles (0.0025%); highest among the groups gnomAD compares: African/African-American, 0.047%; no homozygotes.

Submissions (5):

Mayo Clinic Laboratories, Mayo Clinic
Classification: Uncertain significance. Last evaluated: 2025-10-14. Review status: criteria provided, single submitter. Criteria: ACMG Guidelines, 2015. Collection method: clinical testing. Allele origin: germline. Observed: 1 variant allele.
Comment: BP4

Ambry Genetics
Classification: Likely benign for Inborn genetic diseases. Last evaluated: 2025-08-03. Review status: criteria provided, single submitter. Criteria: Ambry Variant Classification Scheme 2023. Collection method: clinical testing. Allele origin: germline.

Labcorp Genetics (formerly Invitae), Labcorp
Classification: Uncertain significance for Mevalonic aciduria; Hyperimmunoglobulin D with periodic fever; Porokeratosis 3, disseminated superficial actinic type. Last evaluated: 2024-12-24. Review status: criteria provided, single submitter. Criteria: Invitae Variant Classification Sherloc (09022015). Collection method: clinical testing. Allele origin: germline.
Comment: This sequence change replaces asparagine, which is neutral and polar, with serine, which is neutral and polar, at codon 175 of the MVK protein (p.Asn175Ser). This variant is present in population databases (rs138818135, gnomAD 0.05%). This variant has not been reported in the literature in individuals affected with MVK-related conditions. ClinVar contains an entry for this variant (Variation ID: 1062143). An algorithm developed to predict the effect of missense changes on protein structure and function outputs the following: PolyPhen-2: "Benign". The serine amino acid residue is found in multiple mammalian species, which suggests that this missense change does not adversely affect protein function. In summary, the available evidence is currently insufficient to determine the role of this variant in disease. Therefore, it has been classified as a Variant of Uncertain Significance.

Fulgent Genetics
Classification: Uncertain significance for Porokeratosis 3, disseminated superficial actinic type; Hyperimmunoglobulin D with periodic fever; Mevalonic aciduria. Last evaluated: 2024-02-13. Review status: criteria provided, single submitter. Criteria: ACMG Guidelines, 2015. Collection method: clinical testing. Allele origin: germline.

Blueprint Genetics
Classification: Uncertain significance. Last evaluated: 2023-05-26. Review status: criteria provided, single submitter. Criteria: ACMG Guidelines, 2015. Collection method: clinical testing. Allele origin: germline.